The following is an entry in ClinVar:

NM_007294.4(BRCA1):c.511A>C (p.Ile171Leu)

Gene: BRCA1 (BRCA1 DNA repair associated; minus strand). Cytogenetic location: 17q21.31.
Variant type: single nucleotide variant.
Coding change: c.511A>C on transcript NM_007294.4 (MANE Select); coding-DNA position 511, A replaced by C.
Protein change: p.Ile171Leu; replaces isoleucine 171 with leucine.
Molecular consequence: missense variant. On other transcripts: non-coding transcript variant (1).
Genome position (GRCh38, 1-based): chr17:43,099,811, T>G on the plus strand (A>C on the coding strand, the complement: BRCA1 is on the minus strand). VCF-style: chr17-43099811-T-G. GRCh37 (hg19) VCF-style: chr17-41251828-T-G.
Other names: c.508A>C, p.Ile170Leu (NM_001408433.1, NM_001408434.1, NM_001408435.1 and 65 more transcripts); c.511A>C, p.Ile171Leu (NM_001408436.1, NM_001408437.1, NM_001408438.1 and 97 more transcripts); c.376A>C, p.Ile126Leu (NM_001408451.1); c.370A>C, p.Ile124Leu (NM_001408452.1, NM_001408453.1, NM_001408454.1 and 61 more transcripts); c.433A>C, p.Ile145Leu (NM_001408474.1, NM_001408476.1, NM_001407653.1 and 12 more transcripts); c.367A>C, p.Ile123Leu (NM_001408468.1, NM_001408470.1, NM_001408462.1 and 35 more transcripts); c.430A>C, p.Ile144Leu (NM_001408475.1, NM_001407659.1, NM_001407660.1 and 6 more transcripts); c.301A>C, p.Ile101Leu (NM_001408478.1, NM_001408479.1, NM_001408480.1 and 37 more transcripts); and 4 more; short protein forms I126L, I43L, I123L, I124L, I144L, I145L, I170L, I100L.
Identifiers: ClinVar variation 2094438 (VCV002094438.4), dbSNP rs777515082, ClinGen allele CA056235.

ClinVar aggregate classification (germline): Uncertain significance (1 of 4 stars; one submission).

Conditions:
Hereditary breast ovarian cancer syndrome. Also called: Hereditary breast and/or ovarian cancer syndrome; Hereditary breast and ovarian cancer syndrome; Hereditary breast and ovarian cancer; Hereditary breast and ovarian cancer syndrome (HBOC); Breast and ovarian cancer; BRCA1- and BRCA2-Associated Hereditary Breast and Ovarian Cancer. Identifiers: Orphanet 145, MedGen C0677776, MeSH D061325, MONDO:0003582. Disease mechanism: loss of function.

Allele frequency attached by ClinVar (database versions not stated): ExAC 0.00001.
gnomAD v4.1: 2 of 1,613,592 alleles (0.00012%); highest among the groups gnomAD compares: Non-Finnish European, 0.000085%; no homozygotes.

Submission:

Labcorp Genetics (formerly Invitae), Labcorp
Classification: Uncertain significance for Hereditary breast ovarian cancer syndrome. Last evaluated: 2024-09-17. Review status: criteria provided, single submitter. Criteria: Invitae Variant Classification Sherloc (09022015). Collection method: clinical testing. Allele origin: germline.
Comment: This sequence change replaces isoleucine, which is neutral and non-polar, with leucine, which is neutral and non-polar, at codon 171 of the BRCA1 protein (p.Ile171Leu). This variant is present in population databases (rs777515082, gnomAD 0.0009%). This variant has not been reported in the literature in individuals affected with BRCA1-related conditions. ClinVar contains an entry for this variant (Variation ID: 2094438). Invitae Evidence Modeling of protein sequence and biophysical properties (such as structural, functional, and spatial information, amino acid conservation, physicochemical variation, residue mobility, and thermodynamic stability) indicates that this missense variant is not expected to disrupt BRCA1 protein function with a negative predictive value of 95%. In summary, the available evidence is currently insufficient to determine the role of this variant in disease. Therefore, it has been classified as a Variant of Uncertain Significance.